The following is an entry in ClinVar:

NM_000222.3(KIT):c.91C>A (p.Pro31Thr)

Gene: KIT (KIT proto-oncogene, receptor tyrosine kinase; plus strand). Cytogenetic location: 4q12.
Variant type: single nucleotide variant.
Coding change: c.91C>A on transcript NM_000222.3 (MANE Select); coding-DNA position 91, C replaced by A.
Protein change: p.Pro31Thr; replaces proline 31 with threonine.
Molecular consequence: missense variant.
Genome position (GRCh38, 1-based): chr4:54,695,535, C>A. VCF-style: chr4-54695535-C-A. GRCh37 (hg19) VCF-style: chr4-55561701-C-A.
Other names: c.91C>A, p.Pro31Thr (NM_001093772.2, NM_001385284.1, NM_001385285.1 and 4 more transcripts); short protein forms P31T.
Identifiers: ClinVar variation 458977 (VCV000458977.11), dbSNP rs1431394530, ClinGen allele CA356896824.

ClinVar aggregate classification (germline): Uncertain significance. Review status: criteria provided, multiple submitters, no conflicts (2 of 4 stars). 3 submissions from 3 submitters: Uncertain significance (3). Last evaluated 2025-12-20.

Conditions:
Hereditary cancer-predisposing syndrome. Also called: Tumor predisposition; Hereditary neoplastic syndrome; Neoplastic Syndromes, Hereditary; Hereditary Cancer Syndrome. Identifiers: Orphanet 140162, MedGen C0027672, MeSH D009386, MONDO:0015356.
Gastrointestinal stromal tumor. Also called: Gastrointestinal stroma tumor; Gastrointestinal stromal tumor, somatic. Identifiers: Orphanet 44890, MedGen C0238198, MeSH D046152, MONDO:0011719, OMIM 606764, HP:0100723.

Allele frequency attached by ClinVar (database versions not stated): gnomAD exomes 0.00001; TOPMed 0.00001.
gnomAD v4.1: 4 of 1,614,132 alleles (0.00025%); highest among the groups gnomAD compares: Non-Finnish European, 0.00034%; no homozygotes.

Submissions (3):

Labcorp Genetics (formerly Invitae), Labcorp
Classification: Uncertain significance for Gastrointestinal stromal tumor. Last evaluated: 2025-12-20. Review status: criteria provided, single submitter. Criteria: Invitae Variant Classification Sherloc (09022015). Collection method: clinical testing. Allele origin: germline.
Comment: This sequence change replaces proline, which is neutral and non-polar, with threonine, which is neutral and polar, at codon 31 of the KIT protein (p.Pro31Thr). This variant is not present in population databases (gnomAD no frequency). This missense change has been observed in individual(s) with systemic mast cell activation (PMID: 17710669). ClinVar contains an entry for this variant (Variation ID: 458977). An algorithm developed to predict the effect of missense changes on protein structure and function (PolyPhen-2) suggests that this variant is likely to be disruptive. In summary, the available evidence is currently insufficient to determine the role of this variant in disease. Therefore, it has been classified as a Variant of Uncertain Significance.

Ambry Genetics
Classification: Uncertain significance for Hereditary cancer-predisposing syndrome. Last evaluated: 2025-02-13. Review status: criteria provided, single submitter. Criteria: Ambry Variant Classification Scheme 2023. Collection method: clinical testing. Allele origin: germline.
Comment: The p.P31T variant (also known as c.91C>A), located in coding exon 2 of the KIT gene, results from a C to A substitution at nucleotide position 91. The proline at codon 31 is replaced by threonine, an amino acid with highly similar properties. This amino acid position is highly conserved in available vertebrate species. In addition, this alteration is predicted to be tolerated by in silico analysis. Based on the available evidence, the clinical significance of this variant remains unclear.

Baylor Genetics
Classification: Uncertain significance for Gastrointestinal stromal tumor. Last evaluated: 2023-07-23. Review status: criteria provided, single submitter. Criteria: ACMG Guidelines, 2015. Collection method: clinical testing. Allele origin: unknown.

Literature cited by the submitters: PubMed 17710669 (cited by Labcorp Genetics (formerly Invitae), Labcorp).